The following is an entry in ClinVar:

NM_006946.4(SPTBN2):c.4634C>T (p.Ala1545Val)

Gene: SPTBN2 (spectrin beta, non-erythrocytic 2; minus strand). Cytogenetic location: 11q13.2.
Variant type: single nucleotide variant.
Coding change: c.4634C>T on transcript NM_006946.4 (MANE Select); coding-DNA position 4634, C replaced by T.
Protein change: p.Ala1545Val; replaces alanine 1545 with valine.
Molecular consequence: missense variant.
Genome position (GRCh38, 1-based): chr11:66,693,406, G>A on the plus strand (C>T on the coding strand, the complement: SPTBN2 is on the minus strand). VCF-style: chr11-66693406-G-A. GRCh37 (hg19) VCF-style: chr11-66460877-G-A.
Other names: short protein forms A1545V.
Identifiers: ClinVar variation 805358 (VCV000805358.19), dbSNP rs150801133, ClinGen allele CA6128509.
Genomic context (GRCh38, chr11:66,693,406, plus strand): 5'-TCAGCCAGCTCTGGACCTGCTGCTGCTGCACCTAGAGCACGCTGCCGCTCCCTCAGGTCC[G>A]CGATCCGGGGCTCATGGCCCTGAATCTCTTTCTGCAGGGTCTGCCCATGGCCACAGAAGA-3'
Protein context (NP_008877.2, residues 1535-1555): KEIQGHEPRI[Ala1545Val]DLRERQRALG

ClinVar aggregate classification (germline): Conflicting classifications of pathogenicity. Review status: criteria provided, conflicting classifications (1 of 4 stars). 3 submissions from 3 submitters: Uncertain significance (1); Likely benign (2). Last evaluated 2026-01-01.

Allele frequency attached by ClinVar (database versions not stated): gnomAD exomes 0.00013; TOPMed 0.00015; ExAC 0.00017; gnomAD 0.00017 and 0.00018; ESP Exome Variant Server 0.00046.
gnomAD v4.1: 228 of 1,600,196 alleles (0.014%); highest among the groups gnomAD compares: Non-Finnish European, 0.018%; no homozygotes.

Submissions (3):

CeGaT Center for Human Genetics Tuebingen
Classification: Uncertain significance. Last evaluated: 2026-01-01. Review status: criteria provided, single submitter. Criteria: CeGaT Center For Human Genetics Tuebingen Variant Classification Criteria Version 2. Collection method: clinical testing. Allele origin: germline. Affected: yes. Observed: 2 variant alleles.

Labcorp Genetics (formerly Invitae), Labcorp
Classification: Likely benign. Last evaluated: 2025-03-05. Review status: criteria provided, single submitter. Criteria: Invitae Variant Classification Sherloc (09022015). Collection method: clinical testing. Allele origin: germline.

Athena Diagnostics
Classification: Likely benign. Last evaluated: 2025-01-21. Review status: criteria provided, single submitter. Criteria: Athena Diagnostics Criteria. Collection method: clinical testing. Allele origin: unknown.
Comment: The frequency of this variant in the general population is higher than would generally be expected for pathogenic variants in this gene. Computational tools predict this amino acid change may be benign.